The following is an entry in ClinVar:

NM_013275.6(ANKRD11):c.5037G>T (p.Trp1679Cys)

Gene: ANKRD11 (ankyrin repeat domain 11; minus strand). Cytogenetic location: 16q24.3.
Variant type: single nucleotide variant.
Coding change: c.5037G>T on transcript NM_013275.6 (MANE Select); coding-DNA position 5037, G replaced by T.
Protein change: p.Trp1679Cys; replaces tryptophan 1679 with cysteine.
Molecular consequence: missense variant.
Genome position (GRCh38, 1-based): chr16:89,281,505, C>A on the plus strand (G>T on the coding strand, the complement: ANKRD11 is on the minus strand). VCF-style: chr16-89281505-C-A. GRCh37 (hg19) VCF-style: chr16-89347913-C-A.
Other names: c.5037G>T, p.Trp1679Cys (NM_001256182.2, NM_001256183.2); short protein forms W1679C.
Identifiers: ClinVar variation 4742569 (VCV004742569.1).

ClinVar aggregate classification (germline): Uncertain significance (1 of 4 stars; one submission).

Conditions:
KBG syndrome (KBGS). Also called: ANKRD11-Related KBG Syndrome. Identifiers: Orphanet 2332, MedGen C0220687, MONDO:0007846, OMIM 148050.

Submission:

Labcorp Genetics (formerly Invitae), Labcorp
Classification: Uncertain significance for KBG syndrome. Last evaluated: 2025-09-24. Review status: criteria provided, single submitter. Criteria: Invitae Variant Classification Sherloc (09022015). Collection method: clinical testing. Allele origin: germline.
Comment: This sequence change replaces tryptophan, which is neutral and slightly polar, with cysteine, which is neutral and slightly polar, at codon 1679 of the ANKRD11 protein (p.Trp1679Cys). This variant is present in population databases (no rsID available, gnomAD 0.003%). This variant has not been reported in the literature in individuals affected with ANKRD11-related conditions. Invitae Evidence Modeling of protein sequence and biophysical properties (such as structural, functional, and spatial information, amino acid conservation, physicochemical variation, residue mobility, and thermodynamic stability) indicates that this missense variant is not expected to disrupt ANKRD11 protein function with a negative predictive value of 95%. In summary, the available evidence is currently insufficient to determine the role of this variant in disease. Therefore, it has been classified as a Variant of Uncertain Significance.